The following is an entry in ClinVar:

NM_003070.5(SMARCA2):c.1600G>T (p.Asp534Tyr)

Gene: SMARCA2 (SWI/SNF related BAF chromatin remodeling complex subunit ATPase 2; plus strand). Cytogenetic location: 9p24.3.
Variant type: single nucleotide variant.
Coding change: c.1600G>T on transcript NM_003070.5 (MANE Select); coding-DNA position 1600, G replaced by T.
Protein change: p.Asp534Tyr; replaces aspartic acid 534 with tyrosine.
Molecular consequence: missense variant.
Genome position (GRCh38, 1-based): chr9:2,060,894, G>T. VCF-style: chr9-2060894-G-T. GRCh37 (hg19) VCF-style: chr9-2060894-G-T.
Other names: c.1600G>T, p.Asp534Tyr (NM_001289396.2, NM_001289397.2, NM_139045.4); short protein forms D534Y.
Identifiers: ClinVar variation 217002 (VCV000217002.3), dbSNP rs863224922, ClinGen allele CA278948.

ClinVar aggregate classification (germline): Pathogenic/Likely pathogenic. Review status: criteria provided, multiple submitters, no conflicts (2 of 4 stars). 2 submissions from 2 submitters: Pathogenic (1); Likely pathogenic (1). Last evaluated 2022-10-20.

Conditions:
Nicolaides-Baraitser syndrome (NCBRS). Also called: Intellectual disability-sparse hair-brachydactyly syndrome; SMARCA2-Related Nicolaides-Baraitser Syndrome. Identifiers: Orphanet 3051, MedGen C1303073, MONDO:0011053, OMIM 601358.

Submissions (2):

GeneDx
Classification: Pathogenic. Last evaluated: 2022-10-20. Review status: criteria provided, single submitter. Criteria: GeneDx Variant Classification Process June 2021. Collection method: clinical testing. Allele origin: germline. Affected: yes.
Comment: Not observed at significant frequency in large population cohorts (gnomAD); In silico analysis supports that this missense variant has a deleterious effect on protein structure/function; This variant is associated with the following publications: (PMID: 25326637)

UCLA Clinical Genomics Center, UCLA
Classification: Likely pathogenic for Nicolaides-Baraitser syndrome. Last evaluated: 2014-07-22. Review status: criteria provided, single submitter. Criteria: Lee et al. (JAMA. 2014). Collection method: clinical testing. Allele origin: de novo. Inheritance: Autosomal dominant inheritance. Affected: yes. Study: CES.